The following is an entry in ClinVar:

ClinVar aggregate classification (germline): Uncertain significance (1 of 4 stars; one submission).

Conditions:
Wiskott-Aldrich syndrome 2 (WAS2). Also called: WIPF1 DEFICIENCY. Identifiers: Orphanet 906, MedGen C3281001, MONDO:0013779, OMIM 614493.

Submission:

Labcorp Genetics (formerly Invitae), Labcorp
Classification: Uncertain significance for Wiskott-Aldrich syndrome 2. Last evaluated: 2022-11-01. Review status: criteria provided, single submitter. Criteria: Invitae Variant Classification Sherloc (09022015). Collection method: clinical testing. Allele origin: germline.
Comment: This sequence change replaces proline, which is neutral and non-polar, with threonine, which is neutral and polar, at codon 476 of the WIPF1 protein (p.Pro476Thr). This variant is not present in population databases (gnomAD no frequency). This variant has not been reported in the literature in individuals affected with WIPF1-related conditions. Algorithms developed to predict the effect of missense changes on protein structure and function are either unavailable or do not agree on the potential impact of this missense change (SIFT: "Not Available"; PolyPhen-2: "Probably Damaging"; Align-GVGD: "Not Available"). In summary, the available evidence is currently insufficient to determine the role of this variant in disease. Therefore, it has been classified as a Variant of Uncertain Significance.

NM_001375834.1(WIPF1):c.1426C>A (p.Pro476Thr)

Gene: WIPF1 (WAS/WASL interacting protein family member 1; minus strand). Cytogenetic location: 2q31.1.
Variant type: single nucleotide variant.
Coding change: c.1426C>A on transcript NM_001375834.1 (MANE Select); coding-DNA position 1426, C replaced by A.
Protein change: p.Pro476Thr; replaces proline 476 with threonine.
Molecular consequence: missense variant.
Genome position (GRCh38, 1-based): chr2:174,567,100, G>T on the plus strand (C>A on the coding strand, the complement: WIPF1 is on the minus strand). VCF-style: chr2-174567100-G-T. GRCh37 (hg19) VCF-style: chr2-175431828-G-T.
Other names: c.1426C>A, p.Pro476Thr (NM_001077269.1, NM_001375832.1, NM_001375833.1 and 2 more transcripts); c.1048C>A, p.Pro350Thr (NM_001375839.1); short protein forms P476T, P350T.
Identifiers: ClinVar variation 1958712 (VCV001958712.5), dbSNP rs866520694, ClinGen allele CA349335710.